The following is an entry in ClinVar:

NM_004595.5(SMS):c.742T>G (p.Cys248Gly)

Gene: SMS (spermine synthase; plus strand). Cytogenetic location: Xp22.11.
Variant type: single nucleotide variant.
Coding change: c.742T>G on transcript NM_004595.5 (MANE Select); coding-DNA position 742, T replaced by G.
Protein change: p.Cys248Gly; replaces cysteine 248 with glycine.
Molecular consequence: missense variant.
Genome position (GRCh38, 1-based): chrX:21,978,958, T>G. VCF-style: chrX-21978958-T-G. GRCh37 (hg19) VCF-style: chrX-21997076-T-G.
Other names: c.583T>G, p.Cys195Gly (NM_001258423.2); short protein forms C195G, C248G.
Identifiers: ClinVar variation 1710545 (VCV001710545.2), dbSNP rs2519671245, ClinGen allele CA412569152.
Genomic context (GRCh38, chrX:21,978,958, plus strand): 5'-GGGTGTAAGAAATACATGCGAAAAACGTGTGGCGATGTCTTAGACAATCTTAAAGGAGAC[T>G]GCTATCAGGTAATTGTTTTCTGGATAATGTAGTTTTAAGTGAACTAATAATATAAGTTAT-3'
Protein context (NP_004586.2, residues 238-258): GDVLDNLKGD[Cys248Gly]YQVLIEDCIP

ClinVar aggregate classification (germline): Uncertain significance (1 of 4 stars; one submission).

Submission:

GeneDx
Classification: Uncertain significance. Last evaluated: 2022-12-01. Review status: criteria provided, single submitter. Criteria: GeneDx Variant Classification Process June 2021. Collection method: clinical testing. Allele origin: germline. Affected: yes.
Comment: Not observed at significant frequency in large population cohorts (gnomAD); In silico analysis supports that this missense variant does not alter protein structure/function; Has not been previously published as pathogenic or benign to our knowledge